The following is an entry in ClinVar:

ClinVar aggregate classification (germline): Likely benign. Review status: criteria provided, multiple submitters, no conflicts (2 of 4 stars). 2 submissions from 2 submitters: Likely benign (2). Last evaluated 2025-06-24.

Conditions:
BAP1-related tumor predisposition syndrome (TPDS1). Also called: Tumor susceptibility linked to germline BAP1 mutations; BAP1 tumor predisposition syndrome; COMMON Syndrome; TUMOR PREDISPOSITION SYNDROME 1. Identifiers: Orphanet 289539, MedGen C3280492, MONDO:0013692, OMIM 614327.

gnomAD v4.1: 1 of 1,566,190 alleles (0.000064%); no homozygotes.

Submissions (2):

Labcorp Genetics (formerly Invitae), Labcorp
Classification: Likely benign for BAP1-related tumor predisposition syndrome. Last evaluated: 2025-06-24. Review status: criteria provided, single submitter. Criteria: Invitae Variant Classification Sherloc (09022015). Collection method: clinical testing. Allele origin: germline.

Myriad Genetics, Inc.
Classification: Likely benign for BAP1-related tumor predisposition syndrome. Last evaluated: 2024-07-12. Review status: criteria provided, single submitter. Criteria: Myriad Autosomal Dominant, Autosomal Recessive and X-Linked Classification Criteria (2023). Collection method: clinical testing. Allele origin: unknown.
Comment: This variant is considered likely benign. This variant is intronic and is not expected to impact mRNA splicing.

NM_004656.4(BAP1):c.581-17G>A

Gene: BAP1 (BRCA1 associated deubiquitinase 1; minus strand). Cytogenetic location: 3p21.1.
Variant type: single nucleotide variant.
Coding change: c.581-17G>A on transcript NM_004656.4 (MANE Select); 17 bases into the intron before coding-DNA position 581, G replaced by A.
Molecular consequence: intron variant.
Genome position (GRCh38, 1-based): chr3:52,406,924, C>T on the plus strand (G>A on the coding strand, the complement: BAP1 is on the minus strand). VCF-style: chr3-52406924-C-T. GRCh37 (hg19) VCF-style: chr3-52440940-C-T.
Identifiers: ClinVar variation 1619524 (VCV001619524.9), dbSNP rs748765525, ClinGen allele CA542899411.